The following is an entry in ClinVar:

NM_004168.4(SDHA):c.454G>C (p.Glu152Gln)

Gene: SDHA (succinate dehydrogenase complex flavoprotein subunit A; plus strand). Cytogenetic location: 5p15.33.
Variant type: single nucleotide variant.
Coding change: c.454G>C on transcript NM_004168.4 (MANE Select); coding-DNA position 454, G replaced by C.
Protein change: p.Glu152Gln; replaces glutamic acid 152 with glutamine.
Molecular consequence: missense variant. On other transcripts: intron variant (1).
Genome position (GRCh38, 1-based): chr5:225,560, G>C. VCF-style: chr5-225560-G-C. GRCh37 (hg19) VCF-style: chr5-225675-G-C.
Other names: c.454G>C, p.Glu152Gln (NM_001330758.2); c.313-323G>C (NM_001294332.2); short protein forms E152Q.
Identifiers: ClinVar variation 944037 (VCV000944037.10), dbSNP rs778737664, ClinGen allele CA359009710.

ClinVar aggregate classification (germline): Uncertain significance (1 of 4 stars; one submission).

Conditions:
Mitochondrial complex II deficiency, nuclear type 1. Also called: SUCCINATE CoQ REDUCTASE DEFICIENCY. Identifiers: Orphanet 3208, MedGen C5700310, MONDO:0100294, OMIM 252011.
Pheochromocytoma/paraganglioma syndrome 5. Also called: Paragangliomas 5; SDHA-Related Hereditary Paraganglioma-Pheochromocytoma Syndrome. Identifiers: Orphanet 29072, MedGen C3279992, MONDO:0013602, OMIM 614165.

Submission:

Labcorp Genetics (formerly Invitae), Labcorp
Classification: Uncertain significance for Pheochromocytoma/paraganglioma syndrome 5; Mitochondrial complex II deficiency, nuclear type 1. Last evaluated: 2019-07-04. Review status: criteria provided, single submitter. Criteria: Invitae Variant Classification Sherloc (09022015). Collection method: clinical testing. Allele origin: germline.
Comment: In summary, the available evidence is currently insufficient to determine the role of this variant in disease. Therefore, it has been classified as a Variant of Uncertain Significance. Algorithms developed to predict the effect of sequence changes on RNA splicing suggest that this variant may create or strengthen a splice site, but this prediction has not been confirmed by published transcriptional studies. Algorithms developed to predict the effect of missense changes on protein structure and function (SIFT, PolyPhen-2, Align-GVGD) all suggest that this variant is likely to be disruptive, but these predictions have not been confirmed by published functional studies and their clinical significance is uncertain. This variant has not been reported in the literature in individuals with SDHA-related conditions. This variant is not present in population databases (ExAC no frequency). This sequence change replaces glutamic acid with glutamine at codon 152 of the SDHA protein (p.Glu152Gln). The glutamic acid residue is highly conserved and there is a small physicochemical difference between glutamic acid and glutamine.